The following is an entry in ClinVar:

ClinVar aggregate classification (germline): Uncertain significance (1 of 4 stars; one submission).

Allele frequency attached by ClinVar (database versions not stated): TOPMed 0.00001.
gnomAD v4.1: 3 of 1,608,716 alleles (0.00019%); highest among the groups gnomAD compares: Non-Finnish European, 0.00025%; no homozygotes.

Submission:

Labcorp Genetics (formerly Invitae), Labcorp
Classification: Uncertain significance. Last evaluated: 2022-10-24. Review status: criteria provided, single submitter. Criteria: Invitae Variant Classification Sherloc (09022015). Collection method: clinical testing. Allele origin: germline.
Comment: In summary, the available evidence is currently insufficient to determine the role of this variant in disease. Therefore, it has been classified as a Variant of Uncertain Significance. Algorithms developed to predict the effect of missense changes on protein structure and function (SIFT, PolyPhen-2, Align-GVGD) all suggest that this variant is likely to be tolerated. This variant has not been reported in the literature in individuals affected with RTN4IP1-related conditions. This variant is not present in population databases (gnomAD no frequency). This sequence change replaces leucine, which is neutral and non-polar, with phenylalanine, which is neutral and non-polar, at codon 329 of the RTN4IP1 protein (p.Leu329Phe).

NM_032730.5(RTN4IP1):c.987A>C (p.Leu329Phe)

Gene: RTN4IP1 (reticulon 4 interacting protein 1; minus strand). Cytogenetic location: 6q21.
Variant type: single nucleotide variant.
Coding change: c.987A>C on transcript NM_032730.5 (MANE Select); coding-DNA position 987, A replaced by C.
Protein change: p.Leu329Phe; replaces leucine 329 with phenylalanine.
Molecular consequence: missense variant.
Genome position (GRCh38, 1-based): chr6:106,587,682, T>G on the plus strand (A>C on the coding strand, the complement: RTN4IP1 is on the minus strand). VCF-style: chr6-106587682-T-G. GRCh37 (hg19) VCF-style: chr6-107035557-T-G.
Other names: c.687A>C, p.Leu229Phe (NM_001318746.1); short protein forms L229F, L329F.
Identifiers: ClinVar variation 2081652 (VCV002081652.4), dbSNP rs1775519120, ClinGen allele CA365153648.